The following is an entry in ClinVar:

ClinVar aggregate classification (germline): Uncertain significance (1 of 4 stars; one submission).

gnomAD v4.1: 1 of 1,613,892 alleles (0.000062%); no homozygotes.

Submission:

Labcorp Genetics (formerly Invitae), Labcorp
Classification: Uncertain significance. Last evaluated: 2025-03-25. Review status: criteria provided, single submitter. Criteria: Invitae Variant Classification Sherloc (09022015). Collection method: clinical testing. Allele origin: germline.
Comment: This sequence change replaces alanine, which is neutral and non-polar, with proline, which is neutral and non-polar, at codon 313 of the SUCLG2 protein (p.Ala313Pro). This variant is not present in population databases (gnomAD no frequency). This variant has not been reported in the literature in individuals affected with SUCLG2-related conditions. An algorithm developed to predict the effect of missense changes on protein structure and function (PolyPhen-2) suggests that this variant is likely to be disruptive. In summary, the available evidence is currently insufficient to determine the role of this variant in disease. Therefore, it has been classified as a Variant of Uncertain Significance.

NM_003848.4(SUCLG2):c.937G>C (p.Ala313Pro)

Gene: SUCLG2 (succinate-CoA ligase GDP-forming subunit beta; minus strand). Cytogenetic location: 3p14.1.
Variant type: single nucleotide variant.
Coding change: c.937G>C on transcript NM_003848.4 (MANE Select); coding-DNA position 937, G replaced by C.
Protein change: p.Ala313Pro; replaces alanine 313 with proline.
Molecular consequence: missense variant.
Genome position (GRCh38, 1-based): chr3:67,495,923, C>G on the plus strand (G>C on the coding strand, the complement: SUCLG2 is on the minus strand). VCF-style: chr3-67495923-C-G. GRCh37 (hg19) VCF-style: chr3-67546347-C-G.
Other names: c.937G>C, p.Ala313Pro (NM_001177599.2); short protein forms A313P.
Identifiers: ClinVar variation 4690321 (VCV004690321.1).
Genomic context (GRCh38, chr3:67,495,923, plus strand): 5'-GATCCAAGAAGTTGGCTGGCTTCCCACCATTAAGGAAAATGATATCACAAGTAGCCATGG[C>G]GAGCCCAGCACCATTCACTGTGAAATGCAAATGGGACACAAGACAGGCTACATTTAGCAA-3'
Protein context (NP_003839.2, residues 303-323): IACFVNGAGL[Ala313Pro]MATCDIIFLN